The following is an entry in ClinVar:

ClinVar aggregate classification (germline): Uncertain significance (1 of 4 stars; one submission).

gnomAD v4.1: 1 of 1,573,686 alleles (0.000064%); highest among the groups gnomAD compares: Non-Finnish European, 0.000086%; no homozygotes.

Submission:

Labcorp Genetics (formerly Invitae), Labcorp
Classification: Uncertain significance. Last evaluated: 2025-12-11. Review status: criteria provided, single submitter. Criteria: Invitae Variant Classification Sherloc (09022015). Collection method: clinical testing. Allele origin: germline.
Comment: This sequence change replaces isoleucine, which is neutral and non-polar, with methionine, which is neutral and non-polar, at codon 121 of the ITPR1 protein (p.Ile121Met). This variant is not present in population databases (gnomAD no frequency). This variant has not been reported in the literature in individuals affected with ITPR1-related conditions. Invitae Evidence Modeling of protein sequence and biophysical properties (such as structural, functional, and spatial information, amino acid conservation, physicochemical variation, residue mobility, and thermodynamic stability) has been performed for this missense variant. However, the output from this modeling did not meet the statistical confidence thresholds required to predict the impact of this variant on ITPR1 protein function. In summary, the available evidence is currently insufficient to determine the role of this variant in disease. Therefore, it has been classified as a Variant of Uncertain Significance.

NM_001378452.1(ITPR1):c.363C>G (p.Ile121Met)

Gene: ITPR1 (inositol 1,4,5-trisphosphate receptor type 1; plus strand). Cytogenetic location: 3p26.1.
Variant type: single nucleotide variant.
Coding change: c.363C>G on transcript NM_001378452.1 (MANE Select); coding-DNA position 363, C replaced by G.
Protein change: p.Ile121Met; replaces isoleucine 121 with methionine.
Molecular consequence: missense variant.
Genome position (GRCh38, 1-based): chr3:4,639,467, C>G. VCF-style: chr3-4639467-C-G. GRCh37 (hg19) VCF-style: chr3-4681151-C-G.
Other names: c.363C>G, p.Ile121Met (NM_001099952.4, NM_001168272.2, NM_002222.7); short protein forms I121M.
Identifiers: ClinVar variation 4762960 (VCV004762960.1).